The following is an entry in ClinVar:

ClinVar aggregate classification (germline): Uncertain significance (1 of 4 stars; one submission).

gnomAD v4.1: 8 of 1,614,186 alleles (0.0005%); highest among the groups gnomAD compares: Admixed American, 0.0033%; no homozygotes.

Submission:

Labcorp Genetics (formerly Invitae), Labcorp
Classification: Uncertain significance. Last evaluated: 2024-08-31. Review status: criteria provided, single submitter. Criteria: Invitae Variant Classification Sherloc (09022015). Collection method: clinical testing. Allele origin: germline.
Comment: This sequence change replaces valine, which is neutral and non-polar, with alanine, which is neutral and non-polar, at codon 926 of the ERBIN protein (p.Val926Ala). This variant is not present in population databases (gnomAD no frequency). This variant has not been reported in the literature in individuals affected with ERBIN-related conditions. An algorithm developed to predict the effect of missense changes on protein structure and function (PolyPhen-2) suggests that this variant is likely to be tolerated. In summary, the available evidence is currently insufficient to determine the role of this variant in disease. Therefore, it has been classified as a Variant of Uncertain Significance.

NM_001253697.2(ERBIN):c.2777T>C (p.Val926Ala)

Gene: ERBIN (erbb2 interacting protein; plus strand). Cytogenetic location: 5q12.3.
Variant type: single nucleotide variant.
Coding change: c.2777T>C on transcript NM_001253697.2 (MANE Select); coding-DNA position 2777, T replaced by C.
Protein change: p.Val926Ala; replaces valine 926 with alanine.
Molecular consequence: missense variant.
Genome position (GRCh38, 1-based): chr5:66,054,095, T>C. VCF-style: chr5-66054095-T-C. GRCh37 (hg19) VCF-style: chr5-65349923-T-C.
Other names: c.2777T>C, p.Val926Ala (NM_001006600.3, NM_001253698.2, NM_001253699.2 and 1 more transcripts); c.2765T>C, p.Val922Ala (NM_001253701.2); short protein forms V922A, V926A.
Identifiers: ClinVar variation 3611594 (VCV003611594.2).
Genomic context (GRCh38, chr5:66,054,095, plus strand): 5'-ATGGAAAAAATATAGTCAGGAGCAAGTCTGCCACACTGTTGTATGATCAACCATTGCAGG[T>C]ATTTACTGGTTCTTCCTCATCTTCTGATTTAATATCAGGAACAAAGGCAATTTTCAAGTT-3'
Protein context (NP_001240626.1, residues 916-936): ATLLYDQPLQ[Val926Ala]FTGSSSSSDL